The following is an entry in ClinVar:

ClinVar aggregate classification (germline): Benign/Likely benign. Review status: criteria provided, multiple submitters, no conflicts (2 of 4 stars). 3 submissions from 3 submitters: Benign (1); Likely benign (2). Last evaluated 2026-01-21.

Conditions:
Mitochondrial complex II deficiency, nuclear type 1. Also called: SUCCINATE CoQ REDUCTASE DEFICIENCY. Identifiers: Orphanet 3208, MedGen C5700310, MONDO:0100294, OMIM 252011.
Pheochromocytoma/paraganglioma syndrome 5. Also called: Paragangliomas 5; SDHA-Related Hereditary Paraganglioma-Pheochromocytoma Syndrome. Identifiers: Orphanet 29072, MedGen C3279992, MONDO:0013602, OMIM 614165.
Hereditary cancer-predisposing syndrome. Also called: Neoplastic Syndromes, Hereditary; Hereditary Cancer Syndrome; Hereditary neoplastic syndrome; Tumor predisposition. Identifiers: Orphanet 140162, MedGen C0027672, MeSH D009386, MONDO:0015356.

Allele frequency attached by ClinVar (database versions not stated): gnomAD exomes 0.00002; ExAC 0.00003; gnomAD 0.00004; TOPMed 0.00004; ESP Exome Variant Server 0.00015.
gnomAD v4.1: 13 of 1,613,636 alleles (0.00081%); highest among the groups gnomAD compares: African/African-American, 0.0067%; no homozygotes.

Submissions (3):

Labcorp Genetics (formerly Invitae), Labcorp
Classification: Likely benign for Pheochromocytoma/paraganglioma syndrome 5; Mitochondrial complex II deficiency, nuclear type 1. Last evaluated: 2026-01-21. Review status: criteria provided, single submitter. Criteria: Invitae Variant Classification Sherloc (09022015). Collection method: clinical testing. Allele origin: germline.

Myriad Genetics, Inc.
Classification: Benign for Pheochromocytoma/paraganglioma syndrome 5. Last evaluated: 2025-02-28. Review status: criteria provided, single submitter. Criteria: Myriad Autosomal Dominant, Autosomal Recessive and X-Linked Classification Criteria (2023). Collection method: clinical testing. Allele origin: unknown.
Comment: This variant is considered benign. This variant is a silent/synonymous amino acid change and it is not expected to impact splicing.

Ambry Genetics
Classification: Likely benign for Hereditary cancer-predisposing syndrome. Last evaluated: 2017-01-05. Review status: criteria provided, single submitter. Criteria: Ambry Variant Classification Scheme 2023. Collection method: clinical testing. Allele origin: germline.

NM_004168.4(SDHA):c.444C>T (p.Ala148=)

Gene: SDHA (succinate dehydrogenase complex flavoprotein subunit A; plus strand). Cytogenetic location: 5p15.33.
Variant type: single nucleotide variant.
Coding change: c.444C>T on transcript NM_004168.4 (MANE Select); coding-DNA position 444, C replaced by T.
Protein change: p.Ala148=; no amino-acid change (alanine 148 retained).
Molecular consequence: synonymous variant. On other transcripts: intron variant (1).
Genome position (GRCh38, 1-based): chr5:225,550, C>T. VCF-style: chr5-225550-C-T. GRCh37 (hg19) VCF-style: chr5-225665-C-T.
Other names: c.444C>T, p.Ala148= (NM_001330758.2); c.313-333C>T (NM_001294332.2).
Identifiers: ClinVar variation 486361 (VCV000486361.17), dbSNP rs367618662, ClinGen allele CA3172821.